The following is an entry in ClinVar:

ClinVar aggregate classification (germline): Benign/Likely benign. Review status: criteria provided, multiple submitters, no conflicts (2 of 4 stars). 7 submissions from 6 submitters: Benign (2); Likely benign (5). Last evaluated 2026-08-02.

Conditions:
NF1-related disorder. Also called: NF1-related condition. Identifiers: MedGen CN379171.
Hereditary cancer-predisposing syndrome. Also called: Neoplastic Syndromes, Hereditary; Tumor predisposition; Hereditary Cancer Syndrome; Hereditary neoplastic syndrome. Identifiers: Orphanet 140162, MedGen C0027672, MeSH D009386, MONDO:0015356.
Neurofibromatosis, type 1 (NF1). Also called: NEUROFIBROMATOSIS, TYPE I, SOMATIC; Peripheral type neurofibromatosis; Neurofibromatosis, type I; VON RECKLINGHAUSEN DISEASE. Identifiers: Orphanet 636, MedGen C0027831, MONDO:0018975, OMIM 162200. Disease mechanism: loss of function.
Neurofibromatosis, familial spinal (FSNF). Identifiers: Orphanet 636, MedGen C1834235, MONDO:0008078, OMIM 162210. Disease mechanism: loss of function.

Allele frequency attached by ClinVar (database versions not stated): gnomAD exomes below 0.00001; TOPMed below 0.00001; gnomAD 0.00001.
gnomAD v4.1: 6 of 1,613,250 alleles (0.00037%); highest among the groups gnomAD compares: East Asian, 0.0022%; no homozygotes.

Submissions (7):

PreventionGenetics, part of Exact Sciences
Classification: Likely benign for NF1-related condition. Last evaluated: 2026-08-02. Review status: criteria provided, single submitter. Criteria: ACMG Guidelines, 2015. Collection method: clinical testing. Allele origin: germline.
Comment: This variant is classified as likely benign based on ACMG/AMP sequence variant interpretation guidelines (Richards et al. 2015 PMID: 25741868, with internal and published modifications).

Myriad Genetics, Inc.
Classification: Benign for Neurofibromatosis, type 1. Last evaluated: 2026-05-18. Review status: criteria provided, single submitter. Criteria: Myriad Autosomal Dominant, Autosomal Recessive and X-Linked Classification Criteria (2023). Collection method: clinical testing. Allele origin: unknown.
Comment: This variant is considered benign. This variant is a silent/synonymous amino acid change and it is not expected to impact splicing.

Labcorp Genetics (formerly Invitae), Labcorp
Classification: Likely benign for Neurofibromatosis, type 1. Last evaluated: 2025-12-29. Review status: criteria provided, single submitter. Criteria: Invitae Variant Classification Sherloc (09022015). Collection method: clinical testing. Allele origin: germline.

KCCC/NGS Laboratory, Kuwait Cancer Control Center
Classification: Benign for Neurofibromatosis, type 1. Last evaluated: 2025-02-01. Review status: criteria provided, single submitter. Criteria: ACMG Guidelines, 2015. Collection method: clinical testing. Allele origin: germline. Affected: no.

KCCC/NGS Laboratory, Kuwait Cancer Control Center
Classification: Likely benign for Neurofibromatosis, familial spinal. Last evaluated: 2023-07-07. Review status: criteria provided, single submitter. Criteria: ACMG Guidelines, 2015. Collection method: clinical testing. Allele origin: germline. Affected: yes.

Genome-Nilou Lab
Classification: Likely benign for Neurofibromatosis, type 1. Last evaluated: 2022-03-15. Review status: criteria provided, single submitter. Criteria: ACMG Guidelines, 2015. Collection method: clinical testing. Allele origin: germline. Affected: no.

Ambry Genetics
Classification: Likely benign for Hereditary cancer-predisposing syndrome. Last evaluated: 2015-07-24. Review status: criteria provided, single submitter. Criteria: Ambry Autosomal Dominant and X-Linked criteria (10/2015). Collection method: clinical testing. Allele origin: germline. Observed: 1 variant allele.
Comment: In silico models in agreement (benign);Synonymous alterations with insufficient evidence to classify as benign

NM_001042492.3(NF1):c.3039G>A (p.Thr1013=)

Gene: NF1 (neurofibromin 1; plus strand). Cytogenetic location: 17q11.2.
Variant type: single nucleotide variant.
Coding change: c.3039G>A on transcript NM_001042492.3 (MANE Select); coding-DNA position 3039, G replaced by A.
Protein change: p.Thr1013=; no amino-acid change (threonine 1013 retained).
Molecular consequence: synonymous variant.
Genome position (GRCh38, 1-based): chr17:31,230,308, G>A. VCF-style: chr17-31230308-G-A. GRCh37 (hg19) VCF-style: chr17-29557326-G-A.
Other names: c.3039G>A, p.Thr1013= (NM_000267.4).
Identifiers: ClinVar variation 233070 (VCV000233070.17), dbSNP rs876660168, ClinGen allele CA10580272.